The following is an entry in ClinVar:

ClinVar aggregate classification (germline): Uncertain significance. Review status: criteria provided, multiple submitters, no conflicts (2 of 4 stars). 3 submissions from 3 submitters: Uncertain significance (3). Last evaluated 2026-03-09.

Conditions:
PLEC-related disorder. Also called: PLEC-related condition; PLEC-related disorders.
Autosomal recessive limb-girdle muscular dystrophy type 2Q (LGMDR17). Also called: MUSCULAR DYSTROPHY, LIMB-GIRDLE, AUTOSOMAL RECESSIVE 17. Identifiers: Orphanet 254361, MedGen C3150989, MONDO:0013390, OMIM 613723.
Epidermolysis bullosa simplex, Ogna type (EBS5A). Also called: Pidermolysis bullosa simplex 5A, Ogna type; EPIDERMOLYSIS BULLOSA SIMPLEX 5A, OGNA TYPE. Identifiers: Orphanet 79401, MedGen C0432317, MONDO:0007555, OMIM 131950.
Epidermolysis bullosa simplex with nail dystrophy (EBS5D). Identifiers: MedGen C4225309, MONDO:0014661, OMIM 616487.
Epidermolysis bullosa simplex 5C, with pyloric atresia (EBS5C). Also called: PLEC-Related Epidermolysis Bullosa with Pyloric Atresia; Epidermolysis bullosa simplex with pyloric atresia; PLEC1-Related Epidermolysis Bullosa with Pyloric Atresia. Identifiers: Orphanet 158684, MedGen C2677349, MONDO:0012807, OMIM 612138.
Epidermolysis bullosa simplex 5B, with muscular dystrophy (EBS5B). Also called: EPIDERMOLYSIS BULLOSA SIMPLEX AND LIMB-GIRDLE MUSCULAR DYSTROPHY; Epidermolysis bullosa simplex with muscular dystrophy. Identifiers: Orphanet 257, MedGen C2931072, MONDO:0009181, OMIM 226670.

Allele frequency attached by ClinVar (database versions not stated): TOPMed 0.00002; gnomAD 0.00004; ESP Exome Variant Server 0.00008; gnomAD exomes 0.00008; ExAC 0.00014.
gnomAD v4.1: 81 of 1,611,476 alleles (0.005%); highest among the groups gnomAD compares: Non-Finnish European, 0.006%; no homozygotes.

Submissions (3):

GeneDx
Classification: Uncertain significance. Last evaluated: 2026-03-09. Review status: criteria provided, single submitter. Criteria: GeneDx Variant Classification Process June 2021. Collection method: clinical testing. Allele origin: germline.
Comment: In silico analysis suggests that this missense variant does not alter protein structure/function; Has not been previously published as pathogenic or benign to our knowledge

Labcorp Genetics (formerly Invitae), Labcorp
Classification: Uncertain significance for Autosomal recessive limb-girdle muscular dystrophy type 2Q; Epidermolysis bullosa simplex, Ogna type; Epidermolysis bullosa simplex with nail dystrophy; Epidermolysis bullosa simplex 5C, with pyloric atresia; Epidermolysis bullosa simplex 5B, with muscular dystrophy. Last evaluated: 2025-11-10. Review status: criteria provided, single submitter. Criteria: Invitae Variant Classification Sherloc (09022015). Collection method: clinical testing. Allele origin: germline.
Comment: This sequence change replaces alanine, which is neutral and non-polar, with threonine, which is neutral and polar, at codon 3963 of the PLEC protein (p.Ala3963Thr). This variant is present in population databases (rs368314247, gnomAD 0.02%). This variant has not been reported in the literature in individuals affected with PLEC-related conditions. ClinVar contains an entry for this variant (Variation ID: 858827). Invitae Evidence Modeling of protein sequence and biophysical properties (such as structural, functional, and spatial information, amino acid conservation, physicochemical variation, residue mobility, and thermodynamic stability) has been performed for this missense variant. However, the output from this modeling did not meet the statistical confidence thresholds required to predict the impact of this variant on PLEC protein function. In summary, the available evidence is currently insufficient to determine the role of this variant in disease. Therefore, it has been classified as a Variant of Uncertain Significance.

PreventionGenetics, part of Exact Sciences
Classification: Uncertain significance for PLEC-related condition. Last evaluated: 2025-02-13. Review status: criteria provided, single submitter. Criteria: ACMG Guidelines, 2015. Collection method: clinical testing. Allele origin: germline.
Comment: The PLEC c.11887G>A variant is predicted to result in the amino acid substitution p.Ala3963Thr. To our knowledge, this variant has not been reported in the literature. This variant is reported in 0.017% of alleles in individuals of European (Non-Finnish) descent in gnomAD. At this time, the clinical significance of this variant is uncertain due to the absence of conclusive functional and genetic evidence.

NM_201384.3(PLEC):c.11806G>A (p.Ala3936Thr)

Gene: PLEC (plectin; minus strand). Cytogenetic location: 8q24.3.
Variant type: single nucleotide variant.
Coding change: c.11806G>A on transcript NM_201384.3 (MANE Select); coding-DNA position 11806, G replaced by A.
Protein change: p.Ala3936Thr; replaces alanine 3936 with threonine.
Molecular consequence: missense variant.
Genome position (GRCh38, 1-based): chr8:143,918,015, C>T on the plus strand (G>A on the coding strand, the complement: PLEC is on the minus strand). VCF-style: chr8-143918015-C-T. GRCh37 (hg19) VCF-style: chr8-144992183-C-T.
Other names: c.11887G>A (NM_000445.3); c.11887G>A, p.Ala3963Thr (NM_000445.5); c.11764G>A, p.Ala3922Thr (NM_201378.4); c.11740G>A, p.Ala3914Thr (NM_201379.3); c.12217G>A, p.Ala4073Thr (NM_201380.4); c.11710G>A, p.Ala3904Thr (NM_201381.3); c.11806G>A, p.Ala3936Thr (NM_201382.4); c.11818G>A, p.Ala3940Thr (NM_201383.3); short protein forms A3940T, A3936T, A3963T, A4073T, A3922T, A3904T, A3914T.
Identifiers: ClinVar variation 858827 (VCV000858827.6), dbSNP rs368314247, ClinGen allele CA4924244.